The following is an entry in ClinVar:

NM_000282.4(PCCA):c.2118+3G>C

Gene: PCCA (propionyl-CoA carboxylase subunit alpha; plus strand). Cytogenetic location: 13q32.3.
Variant type: single nucleotide variant.
Coding change: c.2118+3G>C on transcript NM_000282.4 (MANE Select); 3 bases into the intron after coding-DNA position 2118, G replaced by C.
Molecular consequence: intron variant.
Genome position (GRCh38, 1-based): chr13:100,527,755, G>C. VCF-style: chr13-100527755-G-C. GRCh37 (hg19) VCF-style: chr13-101180009-G-C.
Other names: c.1977+3G>C (NM_001178004.2); c.2064+3G>C (NM_001352605.2); c.1974+3G>C (NM_001352606.2); c.1173+3G>C (NM_001352610.2); c.1119+3G>C (NM_001352611.2); c.1029+3G>C (NM_001352612.2); c.2040+3G>C (NM_001127692.3); c.1899+3G>C (NM_001352607.2); and 1 more.
Identifiers: ClinVar variation 2076548 (VCV002076548.3), dbSNP rs558389617, ClinGen allele CA7033907.
Genomic context (GRCh38, chr13:100,527,755, plus strand): 5'-TTGTGTGATTGAAGCCATGAAAATGCAGAATAGTATGACAGCTGGGAAAACTGGCACGGT[G>C]AGTCCCTAAGTCCCCATCAGCCCAGGCCGGCCCTGTGATGGAGGAACGCCCACCTTTGAA-3'

ClinVar aggregate classification (germline): Uncertain significance. Review status: criteria provided, multiple submitters, no conflicts (2 of 4 stars). 2 submissions from 2 submitters: Uncertain significance (2). Last evaluated 2026-06-21.

Conditions:
Propionic acidemia (PROP). Also called: GLYCINEMIA, KETOTIC; HYPERGLYCINEMIA WITH KETOACIDOSIS AND LEUKOPENIA; KETOTIC HYPERGLYCINEMIA. Identifiers: Orphanet 35, MedGen C0268579, MONDO:0011628, OMIM 606054, HP:0003571.

Allele frequency attached by ClinVar (database versions not stated): TOPMed 0.00007; ExAC 0.00005; gnomAD 0.00011; gnomAD exomes 0.00014.
gnomAD v4.1: 220 of 1,603,486 alleles (0.014%); highest among the groups gnomAD compares: Non-Finnish European, 0.015%; no homozygotes.

Submissions (3):

Women's Health and Genetics/Laboratory Corporation of America, LabCorp
Classification: Uncertain significance. Last evaluated: 2026-06-21. Review status: criteria provided, single submitter. Criteria: LabCorp Variant Classification Summary - May 2015. Collection method: clinical testing. Allele origin: germline.

Labcorp Genetics (formerly Invitae), Labcorp
Classification: Uncertain significance for Propionic acidemia. Last evaluated: 2022-09-27. Review status: criteria provided, single submitter. Criteria: Invitae Variant Classification Sherloc (09022015). Collection method: clinical testing. Allele origin: germline.
Comment: This sequence change falls in intron 23 of the PCCA gene. It does not directly change the encoded amino acid sequence of the PCCA protein. It affects a nucleotide within the consensus splice site. This variant is present in population databases (rs558389617, gnomAD 0.06%). This variant has not been reported in the literature in individuals affected with PCCA-related conditions. Variants that disrupt the consensus splice site are a relatively common cause of aberrant splicing (PMID: 17576681, 9536098). Algorithms developed to predict the effect of sequence changes on RNA splicing suggest that this variant is not likely to affect RNA splicing. In summary, the available evidence is currently insufficient to determine the role of this variant in disease. Therefore, it has been classified as a Variant of Uncertain Significance.

Dr. Peter K. Rogan Lab, Western University
No classification provided (evidence only). Condition: Ovarian serous cystadenocarcinoma. Review status: no classification provided. Collection method: in vitro. Allele origin: not applicable. Functional consequence: retained intron. Not counted in ClinVar's aggregate classification.

Literature cited by the submitters: PubMed 17576681 (cited by Labcorp Genetics (formerly Invitae), Labcorp); PubMed 9536098 (cited by Labcorp Genetics (formerly Invitae), Labcorp).